The following is an entry in ClinVar:

NM_002693.3(POLG):c.2555G>A (p.Arg852His)

Gene: POLG (DNA polymerase gamma, catalytic subunit; minus strand). Cytogenetic location: 15q26.1.
Variant type: single nucleotide variant.
Coding change: c.2555G>A on transcript NM_002693.3 (MANE Select); coding-DNA position 2555, G replaced by A.
Protein change: p.Arg852His; replaces arginine 852 with histidine.
Molecular consequence: missense variant.
Genome position (GRCh38, 1-based): chr15:89,321,779, C>T on the plus strand (G>A on the coding strand, the complement: POLG is on the minus strand). VCF-style: chr15-89321779-C-T. GRCh37 (hg19) VCF-style: chr15-89865010-C-T.
Other names: c.2555G>A, p.Arg852His (NM_001126131.2); short protein forms R852H.
Identifiers: ClinVar variation 619418 (VCV000619418.4), dbSNP rs1567187093, ClinGen allele CA10602232.

ClinVar aggregate classification (germline): Likely pathogenic. Review status: criteria provided, multiple submitters, no conflicts (2 of 4 stars). 2 submissions from 2 submitters: Likely pathogenic (2). Last evaluated 2025-10-18.

Conditions:
Progressive sclerosing poliodystrophy (MTDPS4A). Also called: Alpers-Huttenlocher Syndrome (AHS); Alpers Syndrome; ALPERS PROGRESSIVE INFANTILE POLIODYSTROPHY; Mitochondrial DNA depletion syndrome 4A (Alpers type); ALPERS DIFFUSE DEGENERATION OF CEREBRAL GRAY MATTER WITH HEPATIC CIRRHOSIS; Alpers-Huttenlocher Syndrome. Identifiers: Orphanet 726, MedGen C0205710, MONDO:0008758, OMIM 203700.

Allele frequency attached by ClinVar (database versions not stated): gnomAD exomes below 0.00001; TOPMed below 0.00001.
gnomAD v4.1: 1 of 1,614,132 alleles (0.000062%); highest among the groups gnomAD compares: Non-Finnish European, 0.000085%; no homozygotes.

Submissions (2):

Labcorp Genetics (formerly Invitae), Labcorp
Classification: Likely pathogenic for Progressive sclerosing poliodystrophy. Last evaluated: 2025-10-18. Review status: criteria provided, single submitter. Criteria: Invitae Variant Classification Sherloc (09022015). Collection method: clinical testing. Allele origin: germline.
Comment: This sequence change replaces arginine, which is basic and polar, with histidine, which is basic and polar, at codon 852 of the POLG protein (p.Arg852His). This variant is not present in population databases (gnomAD no frequency). This missense change has been observed in individual(s) with autosomal recessive Alpers-Huttenlocher syndrome (PMID: 21880868). ClinVar contains an entry for this variant (Variation ID: 619418). Invitae Evidence Modeling of protein sequence and biophysical properties (such as structural, functional, and spatial information, amino acid conservation, physicochemical variation, residue mobility, and thermodynamic stability) indicates that this missense variant is expected to disrupt POLG protein function with a positive predictive value of 95%. This variant disrupts the p.Arg852 amino acid residue in POLG. Other variant(s) that disrupt this residue have been determined to be pathogenic (PMID: 16545482, 18546365, 21880868, 22000311). This suggests that this residue is clinically significant, and that variants that disrupt this residue are likely to be disease-causing. In summary, the currently available evidence indicates that the variant is pathogenic, but additional data are needed to prove that conclusively. Therefore, this variant has been classified as Likely Pathogenic.

Wong Mito Lab, Molecular and Human Genetics, Baylor College of Medicine
Classification: Likely pathogenic for Progressive sclerosing poliodystrophy. Last evaluated: 2018-10-01. Review status: criteria provided, single submitter. Criteria: ACMG Guidelines, 2015. Collection method: clinical testing. Allele origin: germline.
Comment: The NM_002693.2:c.2555G>A (NP_002684.1:p.Arg852His) [GRCH38: NC_000015.10:g.89321779C>T] variant in POLG gene is interpretated to be a Likely Pathogenic based on ACMG guidelines (PMID: 25741868). This variant meets the following evidence codes reported in the ACMG-guideline. PM1:This variant is in mutational hot spot or a well-studied functional domain without benign variation. PM2:This variant is absent in key population databases. PM3:Detected in trans with a pathogenic variant for Mitochondrial DNA depletion syndrome 4A (Alpers type) which is a recessive disorder. PP1:This variant is co-segregated with Mitochondrial DNA depletion syndrome 4A (Alpers type) in multiple affected family members. PP2:This is a missense variant in POLG with a low rate of benign and high rate of pathogenic missense variations. PP3:Computational evidence/predictors indicate the variant has deleterious effect on POLG structure, function, or protein-protein interaction. PP4:Patient's phenotype or family history is highly specific for POLG. Based on the evidence criteria codes applied, the variant is suggested to be Likely Pathogenic.

Literature cited by the submitters: PubMed 21880868 (cited by Labcorp Genetics (formerly Invitae), Labcorp); PubMed 16545482 (cited by Labcorp Genetics (formerly Invitae), Labcorp); PubMed 18546365 (cited by Labcorp Genetics (formerly Invitae), Labcorp); PubMed 22000311 (cited by Labcorp Genetics (formerly Invitae), Labcorp).